The following is an entry in ClinVar:

ClinVar aggregate classification (germline): Uncertain significance (1 of 4 stars; one submission).

Allele frequency attached by ClinVar (database versions not stated): gnomAD exomes below 0.00001.
gnomAD v4.1: 1 of 1,198,452 alleles (0.000083%); highest among the groups gnomAD compares: South Asian, 0.0018%; no homozygotes.

Submission:

Labcorp Genetics (formerly Invitae), Labcorp
Classification: Uncertain significance. Last evaluated: 2022-01-18. Review status: criteria provided, single submitter. Criteria: Invitae Variant Classification Sherloc (09022015). Collection method: clinical testing. Allele origin: germline.
Comment: In summary, the available evidence is currently insufficient to determine the role of this variant in disease. Therefore, it has been classified as a Variant of Uncertain Significance. Algorithms developed to predict the effect of missense changes on protein structure and function (SIFT, PolyPhen-2, Align-GVGD) all suggest that this variant is likely to be tolerated. This variant has not been reported in the literature in individuals affected with NYX-related conditions. This variant is not present in population databases (gnomAD no frequency). This sequence change replaces serine, which is neutral and polar, with asparagine, which is neutral and polar, at codon 398 of the NYX protein (p.Ser398Asn).

NM_001378477.3(NYX):c.1178G>A (p.Ser393Asn)

Gene: NYX (nyctalopin; plus strand). Cytogenetic location: Xp11.4.
Variant type: single nucleotide variant.
Coding change: c.1178G>A on transcript NM_001378477.3 (MANE Select); coding-DNA position 1178, G replaced by A.
Protein change: p.Ser393Asn; replaces serine 393 with asparagine.
Molecular consequence: missense variant.
Genome position (GRCh38, 1-based): chrX:41,474,646, G>A. VCF-style: chrX-41474646-G-A. GRCh37 (hg19) VCF-style: chrX-41333899-G-A.
Other names: c.1178G>A, p.Ser393Asn (NM_022567.3); short protein forms S393N.
Identifiers: ClinVar variation 2087607 (VCV002087607.4), dbSNP rs2519608816, ClinGen allele CA412993003.
Genomic context (GRCh38, chrX:41,474,646, plus strand): 5'-TCGGGCGCTCCTCCGATGGCCTCTGTGTGGACCCCGAGGAGCTGAACCTCACCACGTCCA[G>A]TCCAGGCCCGTCCCCAGAACCAGCGGCCACCACCGTGAGCAGGTTCAGCAGCCTCCTCTC-3'
Protein context (NP_001365406.2, residues 383-403): DPEELNLTTS[Ser393Asn]PGPSPEPAAT